The following is an entry in ClinVar:

ClinVar aggregate classification (germline): Uncertain significance (1 of 4 stars; one submission).

Submission:

GeneDx
Classification: Uncertain significance. Last evaluated: 2023-06-13. Review status: criteria provided, single submitter. Criteria: GeneDx Variant Classification Process June 2021. Collection method: clinical testing. Allele origin: germline. Affected: yes.
Comment: Not observed at significant frequency in large population cohorts (gnomAD); In silico analysis supports that this missense variant has a deleterious effect on protein structure/function; Has not been previously published as pathogenic or benign to our knowledge

NM_000493.4(COL10A1):c.1174G>A (p.Gly392Arg)

Genes: COL10A1 (collagen type X alpha 1 chain; minus strand), NT5DC1 (5'-nucleotidase domain containing 1; plus strand). Cytogenetic location: 6q22.1.
Variant type: single nucleotide variant.
Coding change: c.1174G>A on transcript NM_000493.4 (MANE Select); coding-DNA position 1174, G replaced by A.
Protein change: p.Gly392Arg; replaces glycine 392 with arginine.
Molecular consequence: missense variant. On other transcripts: intron variant (1).
Genome position (GRCh38, 1-based): chr6:116,120,942, C>T on the plus strand (G>A on the coding strand, the complement: COL10A1 is on the minus strand). VCF-style: chr6-116120942-C-T. GRCh37 (hg19) VCF-style: chr6-116442105-C-T.
Other names: c.1174G>A, p.Gly392Arg (NM_001424106.1, NM_001424107.1); c.529+2997C>T (NM_152729.3); short protein forms G392R.
Identifiers: ClinVar variation 3359771 (VCV003359771.1).
Genomic context (GRCh38, chr6:116,120,942, plus strand): 5'-GATCACCTTTTGGACCTGGTAACCCTGGGTTACCCTTAGGACCATCGAGACCTGGTTTTC[C>T]TGGGTACCCTGGTTTTCCATCTGACCCAGGGGAACCCCTTTCACCCTTAGCCCCAGGGTA-3'
Protein context (NP_000484.2, residues 382-402): PGSDGKPGYP[Gly392Arg]KPGLDGPKGN